The following is an entry in ClinVar:

NM_000096.4(CP):c.2684G>C (p.Gly895Ala)

Gene: CP (ceruloplasmin; minus strand). Cytogenetic location: 3q24.
Variant type: single nucleotide variant.
Coding change: c.2684G>C on transcript NM_000096.4 (MANE Select); coding-DNA position 2684, G replaced by C.
Protein change: p.Gly895Ala; replaces glycine 895 with alanine.
Molecular consequence: missense variant. On other transcripts: non-coding transcript variant (1).
Genome position (GRCh38, 1-based): chr3:149,178,609, C>G on the plus strand (G>C on the coding strand, the complement: CP is on the minus strand). VCF-style: chr3-149178609-C-G. GRCh37 (hg19) VCF-style: chr3-148896396-C-G.
Other names: p.Gly895Ala; G876A; short protein forms G895A.
Identifiers: ClinVar variation 42054 (VCV000042054.83), dbSNP rs139633388, ClinGen allele CA152494.

ClinVar aggregate classification (germline): Conflicting classifications of pathogenicity. Review status: criteria provided, conflicting classifications (1 of 4 stars). 18 submissions from 18 submitters: Uncertain significance (11); Likely benign (2). 5 of the submissions do not count toward it. Last evaluated 2026-09-10.

Conditions:
CP-related disorder. Also called: CP-related condition.
Deficiency of ferroxidase (ACEP). Also called: Deficiency of ceruloplasmin; Aceruloplasminemia; NEURODEGENERATION WITH BRAIN IRON ACCUMULATION 10; Ceruloplasmin deficiency; Familial apoceruloplasmin deficiency; Hereditary ceruloplasmin deficiency. Identifiers: Orphanet 48818, MedGen C0878682, MONDO:0011426, OMIM 604290, HP:0025498.

Allele frequency attached by ClinVar (database versions not stated): 1000 Genomes Project 30x 0.00078; 1000 Genomes Project 0.00080; ESP Exome Variant Server 0.00138; gnomAD exomes 0.00152 and 0.00186; ExAC 0.00153; gnomAD 0.00154 and 0.00162; TOPMed 0.00191.
gnomAD v4.1: 2,940 of 1,611,726 alleles (0.18%); highest among the groups gnomAD compares: Admixed American, 0.28%; 3 homozygotes.

Submissions (18):

GeneDx
Classification: Uncertain significance. Last evaluated: 2026-09-10. Review status: criteria provided, single submitter. Criteria: GeneDx Variant Classification Process June 2021. Collection method: clinical testing. Allele origin: germline.
Comment: In silico analysis supports that this missense variant has a deleterious effect on protein structure/function; Also known as p.(G876A); This variant is associated with the following publications: (PMID: 27753142, 28968711, 18293024, 16629161, 34426522, 31785789, 33774058, 34274368, 36233161, 37784196, 32235485, 36757662, 40043514, 20655381, 38532509, Ravasi2021[Case Report], 41442065, 41968586, 40554608)

CeGaT Center for Human Genetics Tuebingen
Classification: Uncertain significance. Last evaluated: 2026-04-01. Review status: criteria provided, single submitter. Criteria: CeGaT Center For Human Genetics Tuebingen Variant Classification Criteria Version 2. Collection method: clinical testing. Allele origin: germline. Affected: yes. Observed: 7 variant alleles.
Comment: CP: PP3, PS3:Supporting

Labcorp Genetics (formerly Invitae), Labcorp
Classification: Likely benign for Deficiency of ferroxidase. Last evaluated: 2026-01-28. Review status: criteria provided, single submitter. Criteria: Invitae Variant Classification Sherloc (09022015). Collection method: clinical testing. Allele origin: germline.

Mayo Clinic Laboratories, Mayo Clinic
Classification: Uncertain significance. Last evaluated: 2025-12-12. Review status: criteria provided, single submitter. Criteria: ACMG Guidelines, 2015. Collection method: clinical testing. Allele origin: germline. Observed: 2 variant alleles.
Comment: BS1, PP3_strong

Women's Health and Genetics/Laboratory Corporation of America, LabCorp
Classification: Likely benign. Last evaluated: 2025-04-17. Review status: criteria provided, single submitter. Criteria: LabCorp Variant Classification Summary - May 2015. Collection method: clinical testing. Allele origin: germline.
Comment: Variant summary: CP c.2684G>C (p.Gly895Ala) results in a non-conservative amino acid change in the encoded protein sequence. Five of five in-silico tools predict a damaging effect of the variant on protein function. The variant allele was found at a frequency of 0.0015 in 250058 control chromosomes, predominantly at a frequency of 0.0024 within the Latino subpopulation in the gnomAD database. The observed variant frequency within Latino control individuals in the gnomAD database is approximately 12.7 fold of the estimated maximal expected allele frequency for a pathogenic variant in CP causing Neurodegeneration With Brain Iron Accumulation phenotype (0.00019). To our knowledge, no occurrence of c.2684G>C in individuals affected with Neurodegeneration With Brain Iron Accumulation and no experimental evidence demonstrating its impact on protein function have been reported. ClinVar contains an entry for this variant (Variation ID: 42054). Based on the evidence outlined above, the variant was classified as likely benign.

Blueprint Genetics
Classification: Uncertain significance. Last evaluated: 2024-11-26. Review status: criteria provided, single submitter. Criteria: ACMG Guidelines, 2015. Collection method: clinical testing. Allele origin: germline.

Department of Pathology and Laboratory Medicine, Sinai Health System
Classification: Uncertain significance for aceruloplasminemia. Last evaluated: 2023-02-05. Review status: criteria provided, single submitter. Criteria: ACMG Guidelines, 2015. Collection method: research. Allele origin: germline.

Mendelics
Classification: Uncertain significance for Deficiency of ferroxidase. Last evaluated: 2022-01-27. Review status: criteria provided, single submitter. Criteria: Mendelics Assertion Criteria 2017. Collection method: clinical testing. Allele origin: unknown.

Fulgent Genetics
Classification: Uncertain significance for Deficiency of ferroxidase. Last evaluated: 2018-10-31. Review status: criteria provided, single submitter. Criteria: ACMG Guidelines, 2015. Collection method: clinical testing. Allele origin: unknown.

Illumina Laboratory Services, Illumina
Classification: Uncertain significance for Deficiency of ferroxidase. Last evaluated: 2017-04-27. Review status: criteria provided, single submitter. Criteria: ICSL Variant Classification Criteria 13 December 2019. Collection method: clinical testing. Allele origin: germline.

Center for Pediatric Genomic Medicine, Children's Mercy Hospital and Clinics
Classification: Uncertain significance. Last evaluated: 2016-09-13. Review status: criteria provided, single submitter. Criteria: ACMG Guidelines, 2015. Collection method: clinical testing. Allele origin: germline.
ClinVar note: Converted during submission from Uncertain Significance to Uncertain significance.

Eurofins Ntd Llc (ga)
Classification: Uncertain significance. Last evaluated: 2016-08-09. Review status: criteria provided, single submitter. Criteria: EGL Classification Definitions 2015. Collection method: clinical testing. Allele origin: germline. Observed: 1 variant allele, 1 heterozygote.

Genetic Services Laboratory, University of Chicago
Classification: Uncertain significance. Last evaluated: 2016-03-04. Review status: criteria provided, single submitter. Criteria: ACMG Guidelines, 2015. Collection method: clinical testing. Allele origin: germline. Affected: no.

PreventionGenetics, part of Exact Sciences
Classification: Uncertain significance for CP-related condition. Last evaluated: 2024-07-17. Review status: no assertion criteria provided. Collection method: clinical testing. Allele origin: germline. Not counted in ClinVar's aggregate classification.
Comment: The CP c.2684G>C variant is predicted to result in the amino acid substitution p.Gly895Ala. This variant has been reported in patients with aceruloplasminemia, although conclusive evidence of pathogenicity was not presented (reported as G876A in Kono et al. 2006. PubMed ID: 16629161; Vila Cuenca et al. 2020. PubMed ID: 32235485). This variant is reported in 0.25% of alleles in individuals of Latino descent in gnomAD. At this time, the clinical significance of this variant is uncertain due to the absence of conclusive functional and genetic evidence.

GeneReviews
Classification: Pathogenic for Aceruloplasminemia. Last evaluated: 2013-04-18. Review status: no assertion criteria provided. Collection method: curation. Allele origin: unknown. Not counted in ClinVar's aggregate classification.
ClinVar note: Converted during submission from pathologic to Pathogenic.

Diagnostic Laboratory, Department of Genetics, University Medical Center Groningen
Classification: Uncertain significance for Deficiency of ferroxidase. Review status: no assertion criteria provided. Collection method: clinical testing. Allele origin: germline. Affected: yes. Study: VKGL Data-share Consensus. Not counted in ClinVar's aggregate classification.

Genome Diagnostics Laboratory, Amsterdam University Medical Center
Classification: Uncertain significance. Review status: no assertion criteria provided. Collection method: clinical testing. Allele origin: germline. Affected: yes. Study: VKGL Data-share Consensus. Not counted in ClinVar's aggregate classification.

Joint Genome Diagnostic Labs from Nijmegen and Maastricht, Radboudumc and MUMC+
Classification: Uncertain significance. Review status: no assertion criteria provided. Collection method: clinical testing. Allele origin: germline. Affected: yes. Study: VKGL Data-share Consensus. Not counted in ClinVar's aggregate classification.

Literature cited by the submitters: PubMed 18293024 (cited by Mayo Clinic Laboratories, Mayo Clinic); PubMed 20655381 (cited by Mayo Clinic Laboratories, Mayo Clinic); PubMed 27753142 (cited by Mayo Clinic Laboratories, Mayo Clinic); PubMed 32235485 (cited by Mayo Clinic Laboratories, Mayo Clinic); PubMed 33774058 (cited by Mayo Clinic Laboratories, Mayo Clinic).